The following is an entry in ClinVar:

NM_174934.4(SCN4B):c.175T>C (p.Phe59Leu)

Gene: SCN4B (sodium voltage-gated channel beta subunit 4; minus strand). Cytogenetic location: 11q23.3.
Variant type: single nucleotide variant.
Coding change: c.175T>C on transcript NM_174934.4 (MANE Select); coding-DNA position 175, T replaced by C.
Protein change: p.Phe59Leu; replaces phenylalanine 59 with leucine.
Molecular consequence: missense variant. On other transcripts: 5 prime UTR variant (1), non-coding transcript variant (1), intron variant (1).
Genome position (GRCh38, 1-based): chr11:118,145,116, A>G on the plus strand (T>C on the coding strand, the complement: SCN4B is on the minus strand). VCF-style: chr11-118145116-A-G. GRCh37 (hg19) VCF-style: chr11-118015831-A-G.
Other names: c.-156T>C (NM_001142349.2); c.62-3780T>C (NM_001142348.2); short protein forms F59L.
Identifiers: ClinVar variation 4768805 (VCV004768805.1).

ClinVar aggregate classification (germline): Uncertain significance (1 of 4 stars; one submission).

Conditions:
Long QT syndrome 10 (LQT10). Identifiers: Orphanet 101016, Orphanet 768, MedGen C2678484, MONDO:0012737, OMIM 611819.

Submission:

Labcorp Genetics (formerly Invitae), Labcorp
Classification: Uncertain significance for Long QT syndrome 10. Last evaluated: 2025-02-07. Review status: criteria provided, single submitter. Criteria: Invitae Variant Classification Sherloc (09022015). Collection method: clinical testing. Allele origin: germline.
Comment: This sequence change replaces phenylalanine, which is neutral and non-polar, with leucine, which is neutral and non-polar, at codon 59 of the SCN4B protein (p.Phe59Leu). This variant is not present in population databases (gnomAD no frequency). This variant has not been reported in the literature in individuals affected with SCN4B-related conditions. An algorithm developed to predict the effect of missense changes on protein structure and function (PolyPhen-2) suggests that this variant is likely to be tolerated. In summary, the available evidence is currently insufficient to determine the role of this variant in disease. Therefore, it has been classified as a Variant of Uncertain Significance.